The following is an entry in ClinVar:

NM_003002.4(SDHD):c.86C>T (p.Ala29Val)

Gene: SDHD (succinate dehydrogenase complex subunit D; plus strand). Cytogenetic location: 11q23.1.
Variant type: single nucleotide variant.
Coding change: c.86C>T on transcript NM_003002.4 (MANE Select); coding-DNA position 86, C replaced by T.
Protein change: p.Ala29Val; replaces alanine 29 with valine.
Molecular consequence: missense variant. On other transcripts: non-coding transcript variant (1), intron variant (1).
Genome position (GRCh38, 1-based): chr11:112,087,890, C>T. VCF-style: chr11-112087890-C-T. GRCh37 (hg19) VCF-style: chr11-111958614-C-T.
Other names: c.86C>T, p.Ala29Val (NM_001276503.2, NM_001276506.2); c.52+931C>T (NM_001276504.2); c.86C>T (NM_003002.2); short protein forms A29V.
Identifiers: ClinVar variation 533787 (VCV000533787.11), dbSNP rs1555186774, ClinGen allele CA382616965.
Genomic context (GRCh38, chr11:112,087,890, plus strand): 5'-TGATCATCCTAATGACTCTTTCCTCAGCTCTGTTGCTTCGAACTCCAGTGGTCAGACCTG[C>T]TCATATCTCAGCATTTCTTCAGGACCGACCTATCCCAGAATGGTGTGGAGTGCAGCACAT-3'
Protein context (NP_002993.1, residues 19-39): LLLRTPVVRP[Ala29Val]HISAFLQDRP

ClinVar aggregate classification (germline): Uncertain significance. Review status: criteria provided, multiple submitters, no conflicts (2 of 4 stars). 2 submissions from 2 submitters: Uncertain significance (2). Last evaluated 2026-07-06.

Conditions:
Hereditary cancer-predisposing syndrome. Also called: Hereditary Cancer Syndrome; Tumor predisposition; Hereditary neoplastic syndrome; Neoplastic Syndromes, Hereditary. Identifiers: Orphanet 140162, MedGen C0027672, MeSH D009386, MONDO:0015356.
Cowden syndrome 3 (CWS3). Identifiers: Orphanet 201, MedGen CN166604, MONDO:0014045.
Paragangliomas with sensorineural hearing loss. Identifiers: MedGen C1868633.
Carney-Stratakis syndrome. Also called: PARAGANGLIOMA AND GASTROINTESTINAL STROMAL TUMOR. Identifiers: Orphanet 97286, MedGen C1847319, MONDO:0011740, OMIM 606864.
Pheochromocytoma. Also called: MAX-Related Hereditary Paraganglioma-Pheochromocytoma Syndrome. Identifiers: Orphanet 29072, MedGen C0031511, MONDO:0008233, OMIM 171300, HP:0002666.

Submissions (2):

Ambry Genetics
Classification: Uncertain significance for Hereditary cancer-predisposing syndrome. Last evaluated: 2026-07-06. Review status: criteria provided, single submitter. Criteria: Ambry Variant Classification Scheme 2023. Collection method: clinical testing. Allele origin: germline.
Comment: The p.A29V variant (also known as c.86C>T), located in coding exon 2 of the SDHD gene, results from a C to T substitution at nucleotide position 86. The alanine at codon 29 is replaced by valine, an amino acid with similar properties. This amino acid position is conserved. In addition, this alteration is predicted to be deleterious by in silico analysis. Based on the available evidence, the clinical significance of this variant remains unclear.

Labcorp Genetics (formerly Invitae), Labcorp
Classification: Uncertain significance for Carney-Stratakis syndrome; Paragangliomas with sensorineural hearing loss; Pheochromocytoma; Cowden syndrome 3. Last evaluated: 2023-11-01. Review status: criteria provided, single submitter. Criteria: Invitae Variant Classification Sherloc (09022015). Collection method: clinical testing. Allele origin: germline.
Comment: This sequence change replaces alanine, which is neutral and non-polar, with valine, which is neutral and non-polar, at codon 29 of the SDHD protein (p.Ala29Val). This variant is not present in population databases (gnomAD no frequency). This variant has not been reported in the literature in individuals affected with SDHD-related conditions. ClinVar contains an entry for this variant (Variation ID: 533787). Algorithms developed to predict the effect of missense changes on protein structure and function output the following: SIFT: "Not Available"; PolyPhen-2: "Benign"; Align-GVGD: "Not Available". The valine amino acid residue is found in multiple mammalian species, which suggests that this missense change does not adversely affect protein function. In summary, the available evidence is currently insufficient to determine the role of this variant in disease. Therefore, it has been classified as a Variant of Uncertain Significance.